The following is an entry in ClinVar:

ClinVar aggregate classification (germline): Uncertain significance (1 of 4 stars; one submission).

Submission:

Labcorp Genetics (formerly Invitae), Labcorp
Classification: Uncertain significance. Last evaluated: 2023-09-23. Review status: criteria provided, single submitter. Criteria: Invitae Variant Classification Sherloc (09022015). Collection method: clinical testing. Allele origin: germline.
Comment: This variant has not been reported in the literature in individuals affected with TECTA-related conditions. In summary, the available evidence is currently insufficient to determine the role of this variant in disease. Therefore, it has been classified as a Variant of Uncertain Significance. Advanced modeling of protein sequence and biophysical properties (such as structural, functional, and spatial information, amino acid conservation, physicochemical variation, residue mobility, and thermodynamic stability) has been performed at Invitae for this missense variant, however the output from this modeling did not meet the statistical confidence thresholds required to predict the impact of this variant on TECTA protein function. This variant is not present in population databases (gnomAD no frequency). This sequence change replaces serine, which is neutral and polar, with cysteine, which is neutral and slightly polar, at codon 1941 of the TECTA protein (p.Ser1941Cys).

NM_005422.4(TECTA):c.5822C>G (p.Ser1941Cys)

Genes: TBCEL-TECTA (TBCEL-TECTA readthrough; plus strand), TECTA (tectorin alpha; plus strand). Cytogenetic location: 11q23.3.
Variant type: single nucleotide variant.
Coding change: c.5822C>G on transcript NM_005422.4 (MANE Select); coding-DNA position 5822, C replaced by G.
Protein change: p.Ser1941Cys; replaces serine 1941 with cysteine.
Molecular consequence: missense variant.
Genome position (GRCh38, 1-based): chr11:121,168,748, C>G. VCF-style: chr11-121168748-C-G. GRCh37 (hg19) VCF-style: chr11-121039457-C-G.
Other names: c.6764C>G, p.Ser2255Cys (NM_001378761.1); short protein forms S2255C, S1941C.
Identifiers: ClinVar variation 2762989 (VCV002762989.3), dbSNP rs1284749775, ClinGen allele CA383036705.
Genomic context (GRCh38, chr11:121,168,748, plus strand): 5'-TGACAGTTCCAACCCAAGAAGGCAGCTTCATCACCAAGATGGCTCTCTACAAAAACGCCT[C>G]CTACAAACATCCTTACCGCCAGGGTGAAGTAGTGTTGACGACTCGAGATGTGCTGTATGT-3'
Protein context (NP_005413.2, residues 1931-1951): ITKMALYKNA[Ser1941Cys]YKHPYRQGEV